The following is an entry in ClinVar:

NM_001267550.2(TTN):c.105814A>G (p.Thr35272Ala)

Genes: TTN-AS1 (TTN antisense RNA 1; plus strand), TTN (titin; minus strand), LOC129935183 (ATAC-STARR-seq lymphoblastoid active region 16808; plus strand). Cytogenetic location: 2q31.2.
Variant type: single nucleotide variant.
Coding change: c.105814A>G on transcript NM_001267550.2 (MANE Select); coding-DNA position 105814, A replaced by G.
Protein change: p.Thr35272Ala; replaces threonine 35272 with alanine.
Molecular consequence: missense variant.
Genome position (GRCh38, 1-based): chr2:178,530,801, T>C on the plus strand (A>G on the coding strand, the complement: TTN is on the minus strand). VCF-style: chr2-178530801-T-C. GRCh37 (hg19) VCF-style: chr2-179395528-T-C.
Other names: c.100891A>G, p.Thr33631Ala (NM_001256850.1); c.78619A>G, p.Thr26207Ala (NM_003319.4); c.98110A>G, p.Thr32704Ala (NM_133378.4); c.78994A>G, p.Thr26332Ala (NM_133432.3); c.79195A>G, p.Thr26399Ala (NM_133437.4); short protein forms T32704A, T26332A, T35272A, T26207A, T26399A, T33631A.
Identifiers: ClinVar variation 4793602 (VCV004793602.1).

ClinVar aggregate classification (germline): Uncertain significance (1 of 4 stars; one submission).

Conditions:
Autosomal recessive limb-girdle muscular dystrophy type 2J (LGMDR10). Also called: MUSCULAR DYSTROPHY, LIMB-GIRDLE, AUTOSOMAL RECESSIVE 10; Limb-girdle muscular dystrophy, type 2J. Identifiers: Orphanet 140922, MedGen C1837342, MONDO:0012127, OMIM 608807.
Dilated cardiomyopathy 1G (CMD1G). Identifiers: Orphanet 154, MedGen C1858763, MONDO:0011400, OMIM 604145.

gnomAD v4.1: 2 of 1,613,732 alleles (0.00012%); highest among the groups gnomAD compares: African/African-American, 0.0027%; no homozygotes.

Submission:

Labcorp Genetics (formerly Invitae), Labcorp
Classification: Uncertain significance for Dilated cardiomyopathy 1G; Autosomal recessive limb-girdle muscular dystrophy type 2J. Last evaluated: 2025-10-01. Review status: criteria provided, single submitter. Criteria: Invitae Variant Classification Sherloc (09022015). Collection method: clinical testing. Allele origin: germline.
Comment: This sequence change replaces threonine, which is neutral and polar, with alanine, which is neutral and non-polar, at codon 35272 of the TTN protein (p.Thr35272Ala). This variant is present in population databases (no rsID available, gnomAD 0.007%). This variant has not been reported in the literature in individuals affected with TTN-related conditions. An algorithm developed to predict the effect of missense changes on protein structure and function outputs the following: PolyPhen-2: "Not Available". The alanine amino acid residue is found in multiple mammalian species, which suggests that this missense change does not adversely affect protein function. This variant is located in the M band of TTN (PMID: 25589632). Non-truncating variants in this region may be relevant for neuromuscular disorders, but have not been definitively shown to cause cardiomyopathy (PMID: 23975875). In summary, the available evidence is currently insufficient to determine the role of this variant in disease. Therefore, it has been classified as a Variant of Uncertain Significance.

Literature cited by the submitters: PubMed 25589632; PubMed 23975875.